The following is an entry in ClinVar:

ClinVar aggregate classification (germline): Uncertain significance (1 of 4 stars; one submission).

Submission:

GeneDx
Classification: Uncertain significance. Last evaluated: 2023-10-31. Review status: criteria provided, single submitter. Criteria: GeneDx Variant Classification Process June 2021. Collection method: clinical testing. Allele origin: germline. Affected: yes.
Comment: Not observed at significant frequency in large population cohorts (gnomAD); In silico analysis supports that this missense variant does not alter protein structure/function; In silico analysis suggests this variant may impact gene splicing. In the absence of RNA/functional studies, the actual effect of this sequence change is unknown.; Has not been previously published as pathogenic or benign to our knowledge

NM_006939.4(SOS2):c.2153G>A (p.Ser718Asn)

Gene: SOS2 (SOS Ras/Rho guanine nucleotide exchange factor 2; minus strand). Cytogenetic location: 14q21.3.
Variant type: single nucleotide variant.
Coding change: c.2153G>A on transcript NM_006939.4 (MANE Select); coding-DNA position 2153, G replaced by A.
Protein change: p.Ser718Asn; replaces serine 718 with asparagine.
Molecular consequence: missense variant.
Genome position (GRCh38, 1-based): chr14:50,153,078, C>T on the plus strand (G>A on the coding strand, the complement: SOS2 is on the minus strand). VCF-style: chr14-50153078-C-T. GRCh37 (hg19) VCF-style: chr14-50619796-C-T.
Other names: c.2054G>A, p.Ser685Asn (NM_001411020.1); short protein forms S685N, S718N.
Identifiers: ClinVar variation 3363585 (VCV003363585.1).